The following is an entry in ClinVar:

ClinVar aggregate classification (germline): Uncertain significance (1 of 4 stars; one submission).

Conditions:
Encephalopathy, acute, infection-induced (herpes-specific), susceptibility to, 6. Also called: Herpes simplex encephalitis, susceptibility to, 4. Identifiers: Orphanet 1930, MedGen C3553869, MONDO:0013921, OMIM 614850.

Allele frequency attached by ClinVar (database versions not stated): gnomAD exomes below 0.00001; ExAC 0.00001.

Submission:

Labcorp Genetics (formerly Invitae), Labcorp
Classification: Uncertain significance for Encephalopathy, acute, infection-induced (herpes-specific), susceptibility to, 6. Last evaluated: 2020-08-30. Review status: criteria provided, single submitter. Criteria: Invitae Variant Classification Sherloc (09022015). Collection method: clinical testing. Allele origin: germline.
Comment: In summary, the available evidence is currently insufficient to determine the role of this variant in disease. Therefore, it has been classified as a Variant of Uncertain Significance. Algorithms developed to predict the effect of missense changes on protein structure and function (SIFT, PolyPhen-2, Align-GVGD) all suggest that this variant is likely to be tolerated, but these predictions have not been confirmed by published functional studies and their clinical significance is uncertain. This variant has not been reported in the literature in individuals with TICAM1-related conditions. This variant is present in population databases (rs762670581, ExAC 0.01%). This sequence change replaces proline with arginine at codon 656 of the TICAM1 protein (p.Pro656Arg). The proline residue is weakly conserved and there is a moderate physicochemical difference between proline and arginine.

NM_182919.4(TICAM1):c.1967C>G (p.Pro656Arg)

Gene: TICAM1 (TIR domain containing adaptor molecule 1; minus strand). Cytogenetic location: 19p13.3.
Variant type: single nucleotide variant.
Coding change: c.1967C>G on transcript NM_182919.4 (MANE Select); coding-DNA position 1967, C replaced by G.
Protein change: p.Pro656Arg; replaces proline 656 with arginine.
Molecular consequence: missense variant.
Genome position (GRCh38, 1-based): chr19:4,816,411, G>C on the plus strand (C>G on the coding strand, the complement: TICAM1 is on the minus strand). VCF-style: chr19-4816411-G-C. GRCh37 (hg19) VCF-style: chr19-4816423-G-C.
Other names: c.1925C>G, p.Pro642Arg (NM_001385678.1); c.1832C>G, p.Pro611Arg (NM_001385679.1); c.1325C>G, p.Pro442Arg (NM_001385680.1); short protein forms P442R, P611R, P642R, P656R.
Identifiers: ClinVar variation 1040969 (VCV001040969.9), dbSNP rs762670581, ClinGen allele CA9105025.